The following is an entry in ClinVar:

NM_015164.4(PLEKHM2):c.754G>A (p.Ala252Thr)

Gene: PLEKHM2 (pleckstrin homology and RUN domain containing M2; plus strand). Cytogenetic location: 1p36.21.
Variant type: single nucleotide variant.
Coding change: c.754G>A on transcript NM_015164.4 (MANE Select); coding-DNA position 754, G replaced by A.
Protein change: p.Ala252Thr; replaces alanine 252 with threonine.
Molecular consequence: missense variant.
Genome position (GRCh38, 1-based): chr1:15,725,358, G>A. VCF-style: chr1-15725358-G-A. GRCh37 (hg19) VCF-style: chr1-16051853-G-A.
Other names: short protein forms A252T.
Identifiers: ClinVar variation 663829 (VCV000663829.10), dbSNP rs551226298, ClinGen allele CA616770.

ClinVar aggregate classification (germline): Uncertain significance. Review status: criteria provided, multiple submitters, no conflicts (2 of 4 stars). 2 submissions from 2 submitters: Uncertain significance (2). Last evaluated 2025-03-27.

Allele frequency attached by ClinVar (database versions not stated): gnomAD exomes below 0.00001 and 0.00002; gnomAD 0.00001 and 0.00003; TOPMed 0.00002; ExAC 0.00005; 1000 Genomes Project 0.00020; 1000 Genomes Project 30x 0.00031.
gnomAD v4.1: 9 of 1,551,484 alleles (0.00058%); highest among the groups gnomAD compares: East Asian, 0.02%; no homozygotes.

Submissions (2):

Ambry Genetics
Classification: Uncertain significance. Last evaluated: 2025-03-27. Review status: criteria provided, single submitter. Criteria: Ambry Variant Classification Scheme 2023. Collection method: clinical testing. Allele origin: germline.

Labcorp Genetics (formerly Invitae), Labcorp
Classification: Uncertain significance. Last evaluated: 2018-08-20. Review status: criteria provided, single submitter. Criteria: Invitae Variant Classification Sherloc (09022015). Collection method: clinical testing. Allele origin: germline.
Comment: This variant has not been reported in the literature in individuals with PLEKHM2-related disease. This variant is present in population databases (rs551226298, ExAC 0.2%). This sequence change replaces alanine with threonine at codon 252 of the PLEKHM2 protein (p.Ala252Thr). The alanine residue is highly conserved and there is a small physicochemical difference between alanine and threonine. Algorithms developed to predict the effect of missense changes on protein structure and function output the following: SIFT: "Tolerated"; PolyPhen-2: "Benign"; Align-GVGD: "Class C0". The threonine amino acid residue is found in multiple mammalian species, suggesting that this missense change does not adversely affect protein function. These predictions have not been confirmed by published functional studies and their clinical significance is uncertain. In summary, the available evidence is currently insufficient to determine the role of this variant in disease. Therefore, it has been classified as a Variant of Uncertain Significance.